The following is an entry in ClinVar:

ClinVar aggregate classification (germline): Pathogenic (1 of 4 stars; one submission).

Conditions:
Mowat-Wilson syndrome (MOWS). Also called: Classic Mowat-Wilson Syndrome. Identifiers: Orphanet 2152, MedGen C1856113, MONDO:0009341, OMIM 235730.

Submission:

Labcorp Genetics (formerly Invitae), Labcorp
Classification: Pathogenic for Mowat-Wilson syndrome. Last evaluated: 2023-08-17. Review status: criteria provided, single submitter. Criteria: Invitae Variant Classification Sherloc (09022015). Collection method: clinical testing. Allele origin: germline.
Comment: This sequence change creates a premature translational stop signal (p.Phe282Leufs*16) in the ZEB2 gene. It is expected to result in an absent or disrupted protein product. Loss-of-function variants in ZEB2 are known to be pathogenic (PMID: 16053902). This variant is not present in population databases (gnomAD no frequency). This variant has not been reported in the literature in individuals affected with ZEB2-related conditions. ClinVar contains an entry for this variant (Variation ID: 2030672). For these reasons, this variant has been classified as Pathogenic.

Literature cited by the submitters: PubMed 16053902.

NM_014795.4(ZEB2):c.846del (p.Phe282fs)

Gene: ZEB2 (zinc finger E-box binding homeobox 2; minus strand). Cytogenetic location: 2q22.3.
Variant type: Deletion.
Coding change: c.846del on transcript NM_014795.4 (MANE Select); coding-DNA position 846, one base deleted (C; older notation c.846delC).
Protein change: p.Phe282fs; shifts the reading frame from phenylalanine 282.
Molecular consequence: frameshift variant.
Genome position (GRCh38, 1-based): chr2:144,401,269, G deleted on the plus strand (C on the coding strand, the reverse complement: ZEB2 is on the minus strand). VCF-style (leftmost placement, unchanged base first): chr2-144401268-TG-T. GRCh37 (hg19) VCF-style: chr2-145158835-TG-T.
Other names: c.774del, p.Phe258fs (NM_001171653.2); short protein forms F258fs, F282fs.
Identifiers: ClinVar variation 2030672 (VCV002030672.4), dbSNP rs2549107870, ClinGen allele CA2580063897.